The following is an entry in ClinVar:

NM_015450.3(POT1):c.769A>G (p.Thr257Ala)

Gene: POT1 (protection of telomeres 1; minus strand). Cytogenetic location: 7q31.33.
Variant type: single nucleotide variant.
Coding change: c.769A>G on transcript NM_015450.3 (MANE Select); coding-DNA position 769, A replaced by G.
Protein change: p.Thr257Ala; replaces threonine 257 with alanine.
Molecular consequence: missense variant. On other transcripts: non-coding transcript variant (3).
Genome position (GRCh38, 1-based): chr7:124,853,072, T>C on the plus strand (A>G on the coding strand, the complement: POT1 is on the minus strand). VCF-style: chr7-124853072-T-C. GRCh37 (hg19) VCF-style: chr7-124493126-T-C.
Other names: c.769A>G (NM_015450.2); c.376A>G, p.Thr126Ala (NM_001042594.2); short protein forms T126A, T257A.
Identifiers: ClinVar variation 1027165 (VCV001027165.10), dbSNP rs763712423, ClinGen allele CA4465357.

ClinVar aggregate classification (germline): Conflicting classifications of pathogenicity. Review status: criteria provided, conflicting classifications (1 of 4 stars). 2 submissions from 2 submitters: Uncertain significance (1); Likely benign (1). Last evaluated 2025-06-02.

Conditions:
Tumor predisposition syndrome 3 (TPDS3). Also called: Glioma susceptibility 9; LONG TELOMERE SYNDROME, POT1-RELATED; POT1 Tumor Predisposition; Melanoma, cutaneous malignant, susceptibility to, 10. Identifiers: Orphanet 618, MedGen C4014476, MONDO:0014368, OMIM 615848.
Hereditary cancer-predisposing syndrome. Also called: Neoplastic Syndromes, Hereditary; Hereditary Cancer Syndrome; Hereditary neoplastic syndrome; Tumor predisposition. Identifiers: Orphanet 140162, MedGen C0027672, MeSH D009386, MONDO:0015356.

Allele frequency attached by ClinVar (database versions not stated): gnomAD exomes below 0.00001 and 0.00002; ExAC 0.00002.

Submissions (2):

Labcorp Genetics (formerly Invitae), Labcorp
Classification: Uncertain significance for Tumor predisposition syndrome 3. Last evaluated: 2025-06-02. Review status: criteria provided, single submitter. Criteria: Invitae Variant Classification Sherloc (09022015). Collection method: clinical testing. Allele origin: germline.
Comment: This sequence change replaces threonine, which is neutral and polar, with alanine, which is neutral and non-polar, at codon 257 of the POT1 protein (p.Thr257Ala). This variant is present in population databases (rs763712423, gnomAD 0.02%). This variant has not been reported in the literature in individuals affected with POT1-related conditions. ClinVar contains an entry for this variant (Variation ID: 1027165). Invitae Evidence Modeling of protein sequence and biophysical properties (such as structural, functional, and spatial information, amino acid conservation, physicochemical variation, residue mobility, and thermodynamic stability) indicates that this missense variant is not expected to disrupt POT1 protein function with a negative predictive value of 80%. In summary, the available evidence is currently insufficient to determine the role of this variant in disease. Therefore, it has been classified as a Variant of Uncertain Significance.

Ambry Genetics
Classification: Likely benign for Hereditary cancer-predisposing syndrome. Last evaluated: 2022-12-05. Review status: criteria provided, single submitter. Criteria: Ambry Variant Classification Scheme 2023. Collection method: clinical testing. Allele origin: germline.